The following is an entry in ClinVar:

ClinVar aggregate classification (germline): Uncertain significance (1 of 4 stars; one submission).

Conditions:
Hypertrophic cardiomyopathy. Also called: HYPERTROPHIC MYOCARDIOPATHY. Identifiers: Orphanet 217569, MedGen C0007194, MeSH D002312, MONDO:0005045, HP:0001639.

Submission:

Labcorp Genetics (formerly Invitae), Labcorp
Classification: Uncertain significance for Hypertrophic cardiomyopathy. Last evaluated: 2017-09-15. Review status: criteria provided, single submitter. Criteria: Invitae Variant Classification Sherloc (09022015). Collection method: clinical testing. Allele origin: germline.
Comment: This variant is not present in population databases (ExAC no frequency). In summary, the available evidence is currently insufficient to determine the role of this variant in disease. Therefore, it has been classified as a Variant of Uncertain Significance. Algorithms developed to predict the effect of sequence changes on RNA splicing suggest that this variant may create or strengthen a splice site, but this prediction has not been confirmed by published transcriptional studies. Algorithms developed to predict the effect of missense changes on protein structure and function (SIFT, PolyPhen-2, Align-GVGD) all suggest that this variant is likely to be tolerated, but these predictions have not been confirmed by published functional studies and their clinical significance is uncertain. This variant has not been reported in the literature in individuals with MYBPC3-related disease. This sequence change replaces threonine with arginine at codon 1046 of the MYBPC3 protein (p.Thr1046Arg). The threonine residue is moderately conserved and there is a moderate physicochemical difference between threonine and arginine.

NM_000256.3(MYBPC3):c.3137C>G (p.Thr1046Arg)

Gene: MYBPC3 (myosin binding protein C3; minus strand). Cytogenetic location: 11p11.2.
Variant type: single nucleotide variant.
Coding change: c.3137C>G on transcript NM_000256.3 (MANE Select); coding-DNA position 3137, C replaced by G.
Protein change: p.Thr1046Arg; replaces threonine 1046 with arginine.
Molecular consequence: missense variant.
Genome position (GRCh38, 1-based): chr11:47,333,610, G>C on the plus strand (C>G on the coding strand, the complement: MYBPC3 is on the minus strand). VCF-style: chr11-47333610-G-C. GRCh37 (hg19) VCF-style: chr11-47355161-G-C.
Other names: c.3137C>G, p.Thr1046Arg (LRG_386t1); short protein forms T1046R.
Identifiers: ClinVar variation 524981 (VCV000524981.8), dbSNP rs371061770, ClinGen allele CA380314921.
Genomic context (GRCh38, chr11:47,333,610, plus strand): 5'-CACGCACCAACAACCTGCAGCACCAGCGTGGCCTTGTCCTCCATGTTCTCAATGCGCACC[G>C]TCACCTGGTAAGTGCCTGAATGCACGCGGCGAGCGGCCCGGATGAACAGGATGGTGTCTG-3'
Protein context (NP_000247.2, residues 1036-1056): RRVHSGTYQV[Thr1046Arg]VRIENMEDKA